The following is an entry in ClinVar:

ClinVar aggregate classification (germline): Uncertain significance (1 of 4 stars; one submission).

gnomAD v4.1: 14 of 1,205,366 alleles (0.0012%); highest among the groups gnomAD compares: African/African-American, 0.0095%; no homozygotes.

Submission:

GeneDx
Classification: Uncertain significance. Last evaluated: 2022-11-15. Review status: criteria provided, single submitter. Criteria: GeneDx Variant Classification Process June 2021. Collection method: clinical testing. Allele origin: germline. Affected: yes.
Comment: In silico analysis supports that this variant does not alter splicing; Has not been previously published as pathogenic or benign to our knowledge

NM_004643.4(PABPN1):c.24A>G (p.Ala8=)

Genes: BCL2L2-PABPN1 (BCL2L2-PABPN1 readthrough; plus strand), PABPN1 (poly(A) binding protein nuclear 1; plus strand). Cytogenetic location: 14q11.2.
Variant type: single nucleotide variant.
Coding change: c.24A>G on transcript NM_004643.4 (MANE Select); coding-DNA position 24, A replaced by G.
Protein change: p.Ala8=; no amino-acid change (alanine 8 retained).
Molecular consequence: synonymous variant. On other transcripts: intron variant (8).
Genome position (GRCh38, 1-based): chr14:23,321,493, A>G. VCF-style: chr14-23321493-A-G. GRCh37 (hg19) VCF-style: chr14-23790702-A-G.
Other names: c.24A>G, p.Ala8= (NM_001360551.3); c.529-688A>G (NM_001387343.1, NM_001387342.1, NM_001387344.1 and 1 more transcripts); c.433-688A>G (NM_001387345.1, NM_001387346.1, NM_001199864.3); c.550-688A>G (NM_001387340.1).
Identifiers: ClinVar variation 2502107 (VCV002502107.1), dbSNP rs1052657001, ClinGen allele CA257773656.